The following is an entry in ClinVar:

NM_007259.5(VPS45):c.170C>A (p.Ser57Tyr)

Gene: VPS45 (vacuolar protein sorting 45 homolog; plus strand). Cytogenetic location: 1q21.2.
Variant type: single nucleotide variant.
Coding change: c.170C>A on transcript NM_007259.5 (MANE Select); coding-DNA position 170, C replaced by A.
Protein change: p.Ser57Tyr; replaces serine 57 with tyrosine.
Molecular consequence: missense variant. On other transcripts: non-coding transcript variant (1).
Genome position (GRCh38, 1-based): chr1:150,068,706, C>A. VCF-style: chr1-150068706-C-A. GRCh37 (hg19) VCF-style: chr1-150040763-C-A.
Other names: c.62C>A, p.Ser21Tyr (NM_001279353.2, NM_001279354.2); short protein forms S21Y, S57Y.
Identifiers: ClinVar variation 659879 (VCV000659879.3), dbSNP rs782358688, ClinGen allele CA1073048.

ClinVar aggregate classification (germline): Uncertain significance. Review status: criteria provided, multiple submitters, no conflicts (2 of 4 stars). 2 submissions from 2 submitters: Uncertain significance (2). Last evaluated 2022-11-25.

Conditions:
Congenital neutropenia-myelofibrosis-nephromegaly syndrome. Also called: Severe congenital neutropenia 5, autosomal recessive. Identifiers: Orphanet 369852, MedGen C3809031, MONDO:0014118, OMIM 615285.

Allele frequency attached by ClinVar (database versions not stated): gnomAD below 0.00001 and 0.00001; gnomAD exomes 0.00001 and 0.00004; ExAC 0.00006.
gnomAD v4.1: 22 of 1,613,170 alleles (0.0014%); highest among the groups gnomAD compares: South Asian, 0.024%; no homozygotes.

Submissions (2):

GeneDx
Classification: Uncertain significance. Last evaluated: 2022-11-25. Review status: criteria provided, single submitter. Criteria: GeneDx Variant Classification Process June 2021. Collection method: clinical testing. Allele origin: germline. Affected: yes.
Comment: In silico analysis supports that this missense variant has a deleterious effect on protein structure/function; Has not been previously published as pathogenic or benign to our knowledge

Labcorp Genetics (formerly Invitae), Labcorp
Classification: Uncertain significance for Congenital neutropenia-myelofibrosis-nephromegaly syndrome. Last evaluated: 2022-10-17. Review status: criteria provided, single submitter. Criteria: Invitae Variant Classification Sherloc (09022015). Collection method: clinical testing. Allele origin: germline.
Comment: This sequence change replaces serine, which is neutral and polar, with tyrosine, which is neutral and polar, at codon 57 of the VPS45 protein (p.Ser57Tyr). This variant is present in population databases (rs782358688, gnomAD 0.03%). This variant has not been reported in the literature in individuals affected with VPS45-related conditions. ClinVar contains an entry for this variant (Variation ID: 659879). Advanced modeling of protein sequence and biophysical properties (such as structural, functional, and spatial information, amino acid conservation, physicochemical variation, residue mobility, and thermodynamic stability) performed at Invitae indicates that this missense variant is not expected to disrupt VPS45 protein function. In summary, the available evidence is currently insufficient to determine the role of this variant in disease. Therefore, it has been classified as a Variant of Uncertain Significance.